The following is an entry in ClinVar:

ClinVar aggregate classification (germline): Likely pathogenic. Review status: criteria provided, single submitter (1 of 4 stars). 2 submissions from 2 submitters: Likely pathogenic (1). 1 of the submissions does not count toward it. Last evaluated 2023-03-02.

Conditions:
Dilated cardiomyopathy 1G (CMD1G). Identifiers: Orphanet 154, MedGen C1858763, MONDO:0011400, OMIM 604145.
Autosomal recessive limb-girdle muscular dystrophy type 2J (LGMDR10). Also called: Limb-girdle muscular dystrophy, type 2J; MUSCULAR DYSTROPHY, LIMB-GIRDLE, AUTOSOMAL RECESSIVE 10. Identifiers: Orphanet 140922, MedGen C1837342, MONDO:0012127, OMIM 608807.

Allele frequency attached by ClinVar (database versions not stated): gnomAD exomes below 0.00001.
gnomAD v4.1: 1 of 1,613,284 alleles (0.000062%); highest among the groups gnomAD compares: South Asian, 0.0011%; no homozygotes.

Submissions (2):

Labcorp Genetics (formerly Invitae), Labcorp
Classification: Likely pathogenic for Dilated cardiomyopathy 1G; Autosomal recessive limb-girdle muscular dystrophy type 2J. Last evaluated: 2023-03-02. Review status: criteria provided, single submitter. Criteria: Invitae Variant Classification Sherloc (09022015). Collection method: clinical testing. Allele origin: germline.
Comment: This sequence change creates a premature translational stop signal (p.Trp26037*) in the TTN gene. While this is not anticipated to result in nonsense mediated decay, it is expected to create a truncated TTN protein. This variant is not present in population databases (gnomAD no frequency). This variant has not been reported in the literature in individuals affected with TTN-related conditions. ClinVar contains an entry for this variant (Variation ID: 2031879). This variant is located in the A band of TTN (PMID: 25589632). Truncating variants in this region are significantly overrepresented in patients affected with dilated cardiomyopathy (PMID: 25589632). Truncating variants in this region have also been reported in individuals affected with autosomal recessive centronuclear myopathy (PMID: 23975875). In summary, the currently available evidence indicates that the variant is pathogenic, but additional data are needed to prove that conclusively. Therefore, this variant has been classified as Likely Pathogenic.

deCODE genetics, Amgen
Classification: Likely pathogenic for Dilated cardiomyopathy 1G. Last evaluated: 2023-07-21. Review status: no assertion criteria provided. Collection method: research. Allele origin: germline. Affected: yes. Observed: 1 variant allele. Not counted in ClinVar's aggregate classification.
Comment: The variant NM_001267550.2:c.78110G>A (chr2:178568022) in TTN was detected in 1 heterozygote out of 58K WGS Icelanders (MAF= 0,001%). This variant has not been reported in ClinVar previously. Based on ACMG criteria (PVS1, PM2) this variant classifies as likely pathogenic.

Literature cited by the submitters: PubMed 25589632 (cited by Labcorp Genetics (formerly Invitae), Labcorp); PubMed 23975875 (cited by Labcorp Genetics (formerly Invitae), Labcorp).

NM_001267550.2(TTN):c.78110G>A (p.Trp26037Ter)

Genes: TTN (titin; minus strand), TTN-AS1 (TTN antisense RNA 1; plus strand). Cytogenetic location: 2q31.2.
Variant type: single nucleotide variant.
Coding change: c.78110G>A on transcript NM_001267550.2 (MANE Select); coding-DNA position 78110, G replaced by A.
Protein change: p.Trp26037Ter; replaces tryptophan 26037 with a stop codon.
Molecular consequence: nonsense.
Genome position (GRCh38, 1-based): chr2:178,568,022, C>T on the plus strand (G>A on the coding strand, the complement: TTN is on the minus strand). VCF-style: chr2-178568022-C-T. GRCh37 (hg19) VCF-style: chr2-179432749-C-T.
Other names: c.73187G>A, p.Trp24396Ter (NM_001256850.1); c.50915G>A, p.Trp16972Ter (NM_003319.4); c.70406G>A, p.Trp23469Ter (NM_133378.4); c.51290G>A, p.Trp17097Ter (NM_133432.3); c.51491G>A, p.Trp17164Ter (NM_133437.4); short protein forms W17164*, W17097*, W24396*, W16972*, W23469*, W26037*.
Identifiers: ClinVar variation 2031879 (VCV002031879.20), dbSNP rs752009181, ClinGen allele CA60991660.